The following is an entry in ClinVar:

ClinVar aggregate classification (germline): Conflicting classifications of pathogenicity. Review status: criteria provided, conflicting classifications (1 of 4 stars). 2 submissions from 2 submitters: Likely pathogenic (1); Uncertain significance (1). Last evaluated 2023-05-31.

Conditions:
Retinitis pigmentosa 39 (RP39). Identifiers: Orphanet 791, MedGen C3151138, MONDO:0013436, OMIM 613809.

Submissions (2):

Baylor Genetics
Classification: Likely pathogenic for Retinitis pigmentosa 39. Last evaluated: 2023-05-31. Review status: criteria provided, single submitter. Criteria: ACMG Guidelines, 2015. Collection method: clinical testing. Allele origin: unknown.

Labcorp Genetics (formerly Invitae), Labcorp
Classification: Uncertain significance. Last evaluated: 2021-08-27. Review status: criteria provided, single submitter. Criteria: Invitae Variant Classification Sherloc (09022015). Collection method: clinical testing. Allele origin: germline.
Comment: This variant, c.1760_1762del, results in the deletion of 1 amino acid(s) of the USH2A protein (p.Asn587del), but otherwise preserves the integrity of the reading frame. This variant is not present in population databases (ExAC no frequency). This variant has been observed in individual(s) with Usher syndrome (PMID: 25425308). Experimental studies and prediction algorithms are not available or were not evaluated, and the functional significance of this variant is currently unknown. In summary, the available evidence is currently insufficient to determine the role of this variant in disease. Therefore, it has been classified as a Variant of Uncertain Significance.

Literature cited by the submitters: PubMed 25425308 (cited by Labcorp Genetics (formerly Invitae), Labcorp).

NM_206933.4(USH2A):c.1757ACA[1] (p.Asn587del)

Gene: USH2A (usherin; minus strand). Cytogenetic location: 1q41.
Variant type: Microsatellite.
Coding change: c.1757ACA[1] on transcript NM_206933.4 (MANE Select); one copy of the 3-base unit ACA starting at c.1757; the reference has two copies in a row; one copy, 3 bases deleted; also written c.1760_1762del.
Protein change: p.Asn587del; deletes asparagine 587.
Molecular consequence: inframe deletion.
Genome position (GRCh38, 1-based): chr1:216,292,253-216,292,255, TGT deleted on the plus strand (ACA on the coding strand, the reverse complement: USH2A is on the minus strand); deleting any 3 consecutive bases within chr1:216,292,253-216,292,258 gives the same sequence; the position shown is the placement nearest the transcript's 3' end. VCF-style (leftmost placement, unchanged base first): chr1-216292252-ATGT-A. GRCh37 (hg19) VCF-style: chr1-216465594-ATGT-A.
Other names: c.1757ACA[1], p.Asn587del (NM_007123.6); c.1760_1762del (NM_206933.4); short protein forms N587del.
Identifiers: ClinVar variation 966836 (VCV000966836.7), dbSNP rs2037015853, ClinGen allele CA1220638845.
Genomic context (GRCh38, chr1:216,292,252, plus strand): 5'-CAATCATCACAAACTCCTCCTCCCCCTCTGAAGTGCTCAAAAGGAAATGGGTCTACAGAG[ATGT>A]TGTAATGGCAGCTTTTGGAATGGCTGTTGCATTGACAAGGTTTACAATTGAAAGCGTAAA-3'